The following is an entry in ClinVar:

ClinVar aggregate classification (germline): Uncertain significance. Review status: criteria provided, multiple submitters, no conflicts (2 of 4 stars). 2 submissions from 2 submitters: Uncertain significance (2). Last evaluated 2024-11-21.

gnomAD v4.1: 31 of 1,608,778 alleles (0.0019%); highest among the groups gnomAD compares: Non-Finnish European, 0.0025%; no homozygotes.

Submissions (2):

Ambry Genetics
Classification: Uncertain significance. Last evaluated: 2024-11-21. Review status: criteria provided, single submitter. Criteria: Ambry Variant Classification Scheme 2023. Collection method: clinical testing. Allele origin: germline.
Comment: The p.T249I variant (also known as c.746C>T), located in coding exon 5 of the ATRIP gene, results from a C to T substitution at nucleotide position 746. The threonine at codon 249 is replaced by isoleucine, an amino acid with similar properties. This amino acid position is conserved. In addition, the in silico prediction for this alteration is inconclusive. Based on the available evidence, the clinical significance of this variant remains unclear.

Labcorp Genetics (formerly Invitae), Labcorp
Classification: Uncertain significance. Last evaluated: 2024-07-12. Review status: criteria provided, single submitter. Criteria: Invitae Variant Classification Sherloc (09022015). Collection method: clinical testing. Allele origin: germline.
Comment: This sequence change replaces threonine, which is neutral and polar, with isoleucine, which is neutral and non-polar, at codon 249 of the ATRIP protein (p.Thr249Ile). This variant is present in population databases (rs373857298, gnomAD 0.0009%). This variant has not been reported in the literature in individuals affected with ATRIP-related conditions. An algorithm developed to predict the effect of missense changes on protein structure and function (PolyPhen-2) suggests that this variant is likely to be disruptive. Algorithms developed to predict the effect of sequence changes on RNA splicing suggest that this variant may disrupt the consensus splice site. In summary, the available evidence is currently insufficient to determine the role of this variant in disease. Therefore, it has been classified as a Variant of Uncertain Significance.

NM_130384.3(ATRIP):c.746C>T (p.Thr249Ile)

Genes: ATRIP (ATR interacting protein; plus strand), ATRIP-TREX1 (ATRIP-TREX1 readthrough; plus strand). Cytogenetic location: 3p21.31.
Variant type: single nucleotide variant.
Coding change: c.746C>T on transcript NM_130384.3 (MANE Select); coding-DNA position 746, C replaced by T.
Protein change: p.Thr249Ile; replaces threonine 249 with isoleucine.
Molecular consequence: missense variant. On other transcripts: non-coding transcript variant (1).
Genome position (GRCh38, 1-based): chr3:48,457,333, C>T. VCF-style: chr3-48457333-C-T. GRCh37 (hg19) VCF-style: chr3-48498733-C-T.
Other names: c.365C>T, p.Thr122Ile (NM_001271022.2); c.467C>T, p.Thr156Ile (NM_001271023.2); c.746C>T, p.Thr249Ile (NM_032166.4); short protein forms T156I, T122I, T249I.
Identifiers: ClinVar variation 3464148 (VCV003464148.3).
Genomic context (GRCh38, chr3:48,457,333, plus strand): 5'-CTTCTGTGGTTATAAAGCCAGAAGCATGTTCTCCACAATTTGGAAAAACATCTTTTCCTA[C>T]AAAGGAGTCTTTTAGTGCTAACATGTCCCTTCCCCACCCCTGCCAGACGGAGTCAGGATA-3'
Protein context (NP_569055.1, residues 239-259): SPQFGKTSFP[Thr249Ile]KESFSANMSL